The following is an entry in ClinVar:

ClinVar aggregate classification (germline): Uncertain significance (1 of 4 stars; one submission).

Conditions:
Congenital contractural arachnodactyly (CCA). Also called: Beals-Hecht syndrome; Arthrogryposis, distal, type 9; BEALS SYNDROME. Identifiers: Orphanet 115, MedGen C0220668, MONDO:0007363, OMIM 121050.

Submission:

Labcorp Genetics (formerly Invitae), Labcorp
Classification: Uncertain significance for Congenital contractural arachnodactyly. Last evaluated: 2022-08-05. Review status: criteria provided, single submitter. Criteria: Invitae Variant Classification Sherloc (09022015). Collection method: clinical testing. Allele origin: germline.
Comment: In summary, the available evidence is currently insufficient to determine the role of this variant in disease. Therefore, it has been classified as a Variant of Uncertain Significance. Advanced modeling of protein sequence and biophysical properties (such as structural, functional, and spatial information, amino acid conservation, physicochemical variation, residue mobility, and thermodynamic stability) performed at Invitae indicates that this missense variant is not expected to disrupt FBN2 protein function. This sequence change replaces arginine, which is basic and polar, with glycine, which is neutral and non-polar, at codon 844 of the FBN2 protein (p.Arg844Gly). This variant is not present in population databases (gnomAD no frequency). This variant has not been reported in the literature in individuals affected with FBN2-related conditions.

NM_001999.4(FBN2):c.2530A>G (p.Arg844Gly)

Gene: FBN2 (fibrillin 2; minus strand). Cytogenetic location: 5q23.3.
Variant type: single nucleotide variant.
Coding change: c.2530A>G on transcript NM_001999.4 (MANE Select); coding-DNA position 2530, A replaced by G.
Protein change: p.Arg844Gly; replaces arginine 844 with glycine.
Molecular consequence: missense variant.
Genome position (GRCh38, 1-based): chr5:128,361,747, T>C on the plus strand (A>G on the coding strand, the complement: FBN2 is on the minus strand). VCF-style: chr5-128361747-T-C. GRCh37 (hg19) VCF-style: chr5-127697440-T-C.
Other names: short protein forms R844G.
Identifiers: ClinVar variation 1988222 (VCV001988222.4), dbSNP rs2479338813, ClinGen allele CA360767958.
Genomic context (GRCh38, chr5:128,361,747, plus strand): 5'-ACTATGCACAAATAAGGCGATGAAGACAGCTCTTACCTTCACAGGTCTCTGTCTCAGTCC[T>C]GAACACATACCCTGGTGGGCACGTACAGCTGTAACTTCCTGGCGTGTTTCGGCACAATCC-3'
Protein context (NP_001990.2, residues 834-854): SCTCPPGYVF[Arg844Gly]TETETCEDIN